The following is an entry in ClinVar:

NM_025136.4(OPA3):c.478C>T (p.Arg160Cys)

Genes: OPA3 (outer mitochondrial membrane lipid metabolism regulator OPA3; minus strand), OPA3-RTN2 (OPA3-RTN2 readthrough; minus strand). Cytogenetic location: 19q13.32.
Variant type: single nucleotide variant.
Coding change: c.478C>T on transcript NM_025136.4 (MANE Select); coding-DNA position 478, C replaced by T.
Protein change: p.Arg160Cys; replaces arginine 160 with cysteine.
Molecular consequence: missense variant. On other transcripts: intron variant (1).
Genome position (GRCh38, 1-based): chr19:45,553,576, G>A on the plus strand (C>T on the coding strand, the complement: OPA3 is on the minus strand). VCF-style: chr19-45553576-G-A. GRCh37 (hg19) VCF-style: chr19-46056834-G-A.
Other names: p.Arg160Cys; c.143-24120C>T (NM_001017989.3); short protein forms R160C.
Identifiers: ClinVar variation 449077 (VCV000449077.25), dbSNP rs137978109, ClinGen allele CA9517386.

ClinVar aggregate classification (germline): Conflicting classifications of pathogenicity. Review status: criteria provided, conflicting classifications (1 of 4 stars). 6 submissions from 6 submitters: Uncertain significance (3); Benign (1); Likely benign (1). 1 of the submissions does not count toward it. Last evaluated 2026-01-26.

Conditions:
OPA3-related disorder. Also called: OPA3-related condition.
3-Methylglutaconic aciduria type 3 (MGCA3). Also called: OPA3, AUTOSOMAL RECESSIVE; OPTIC ATROPHY 3, AUTOSOMAL RECESSIVE; Costeff Syndrome; OPA3-Related 3-Methylglutaconic Aciduria. Identifiers: Orphanet 67047, MedGen C0574084, MONDO:0009787, OMIM 258501.
Optic atrophy 3 (OPA3). Also called: Optic atrophy, cataract, and neurologic disorder; OPTIC ATROPHY 3, AUTOSOMAL DOMINANT; Optic atrophy 3 with cataract. Identifiers: Orphanet 67036, MedGen C1833809, MONDO:0008133, OMIM 165300.

Allele frequency attached by ClinVar (database versions not stated): gnomAD exomes 0.00011 and 0.00029; ExAC 0.00031; 1000 Genomes Project 0.00060; 1000 Genomes Project 30x 0.00078; ESP Exome Variant Server 0.00116; gnomAD 0.00127 and 0.00135; TOPMed 0.00146.
gnomAD v4.1: 350 of 1,612,730 alleles (0.022%); highest among the groups gnomAD compares: African/African-American, 0.43%; 1 homozygote.

Submissions (6):

Labcorp Genetics (formerly Invitae), Labcorp
Classification: Likely benign for 3-Methylglutaconic aciduria type 3; Optic atrophy 3. Last evaluated: 2026-01-26. Review status: criteria provided, single submitter. Criteria: Invitae Variant Classification Sherloc (09022015). Collection method: clinical testing. Allele origin: germline.

Blueprint Genetics
Classification: Benign. Last evaluated: 2024-09-18. Review status: criteria provided, single submitter. Criteria: ACMG Guidelines, 2015. Collection method: clinical testing. Allele origin: germline.

Mayo Clinic Laboratories, Mayo Clinic
Classification: Uncertain significance. Last evaluated: 2024-04-11. Review status: criteria provided, single submitter. Criteria: ACMG Guidelines, 2015. Collection method: clinical testing. Allele origin: germline. Observed: 2 variant alleles.
Comment: BS1

GeneDx
Classification: Uncertain significance. Last evaluated: 2023-10-20. Review status: criteria provided, single submitter. Criteria: GeneDx Variant Classification Process June 2021. Collection method: clinical testing. Allele origin: germline. Affected: yes.
Comment: Has not been previously published as pathogenic or benign to our knowledge; In silico analysis supports that this missense variant has a deleterious effect on protein structure/function

Eurofins Ntd Llc (ga)
Classification: Uncertain significance. Last evaluated: 2017-06-20. Review status: criteria provided, single submitter. Criteria: EGL Classification Definitions 2015. Collection method: clinical testing. Allele origin: germline. Observed: 1 variant allele, 1 heterozygote.

PreventionGenetics, part of Exact Sciences
Classification: Likely benign for OPA3-related condition. Last evaluated: 2021-09-16. Review status: no assertion criteria provided. Collection method: clinical testing. Allele origin: germline. Not counted in ClinVar's aggregate classification.
Comment: This variant is classified as likely benign based on ACMG/AMP sequence variant interpretation guidelines (Richards et al. 2015 PMID: 25741868, with internal and published modifications).